The following is an entry in ClinVar:

NM_031844.3(HNRNPU):c.1500GAT[2] (p.Met502del)

Gene: HNRNPU (heterogeneous nuclear ribonucleoprotein U; minus strand). Cytogenetic location: 1q44.
Variant type: Microsatellite.
Coding change: c.1500GAT[2] on transcript NM_031844.3 (MANE Select); two copies in a row of the 3-base unit GAT starting at c.1500; the reference has three copies in a row; one copy, 3 bases deleted.
Protein change: p.Met502del; deletes methionine 502.
Molecular consequence: inframe deletion.
Genome position (GRCh38, 1-based): chr1:244,857,704-244,857,706, ATC deleted on the plus strand (GAT on the coding strand, the reverse complement: HNRNPU is on the minus strand); deleting any 3 consecutive bases within chr1:244,857,704-244,857,713 gives the same sequence; the position shown is the placement nearest the transcript's 3' end. VCF-style (leftmost placement, unchanged base first): chr1-244857703-AATC-A. GRCh37 (hg19) VCF-style: chr1-245021005-AATC-A.
Other names: c.1443GAT[2], p.Met483del (NM_004501.3); short protein forms M483del, M502del.
Identifiers: ClinVar variation 840879 (VCV000840879.10), dbSNP rs1680716624, ClinGen allele CA645532136.
Genomic context (GRCh38, chr1:244,857,703, plus strand): 5'-CCCTGGATTTTCTGCTGCATGTTTAGTAACCCAGGTAGTTTTTCCAGCTCCTGGCAAGCC[AATC>A]ATCATCACAACCTAGTGAAAAGAAAAGAAATGTCATTTCACTGTCAGTAGACACCACCTA-3'

ClinVar aggregate classification (germline): Likely pathogenic (1 of 4 stars; one submission).

Conditions:
Developmental and epileptic encephalopathy, 54. Also called: Epileptic encephalopathy, early infantile, 54; HNRNPU-Related Neurodevelopmental Disorder. Identifiers: MedGen C4479319, MONDO:0033363, OMIM 617391.

Submission:

Labcorp Genetics (formerly Invitae), Labcorp
Classification: Likely pathogenic for Developmental and epileptic encephalopathy, 54. Last evaluated: 2022-08-09. Review status: criteria provided, single submitter. Criteria: Invitae Variant Classification Sherloc (09022015). Collection method: clinical testing. Allele origin: germline.
Comment: This variant, c.1506_1508del, results in the deletion of 1 amino acid(s) of the HNRNPU protein (p.Met502del), but otherwise preserves the integrity of the reading frame. This variant is not present in population databases (gnomAD no frequency). In summary, the currently available evidence indicates that the variant is pathogenic, but additional data are needed to prove that conclusively. Therefore, this variant has been classified as Likely Pathogenic. Experimental studies and prediction algorithms are not available or were not evaluated, and the functional significance of this variant is currently unknown. ClinVar contains an entry for this variant (Variation ID: 840879). This variant has been observed in individual(s) with clinical features of early infantile epileptic encephalopathy (Invitae). In at least one individual the variant was observed to be de novo.